The following is an entry in ClinVar:

ClinVar aggregate classification (germline): Uncertain significance. Review status: criteria provided, multiple submitters, no conflicts (2 of 4 stars). 3 submissions from 3 submitters: Uncertain significance (3). Last evaluated 2023-01-19.

Conditions:
Inborn genetic diseases. Identifiers: MedGen C0950123, MeSH D030342.

Allele frequency attached by ClinVar (database versions not stated): gnomAD 0.00002; ESP Exome Variant Server 0.00008.
gnomAD v4.1: 8 of 1,611,594 alleles (0.0005%); highest among the groups gnomAD compares: Admixed American, 0.0083%; no homozygotes.

Submissions (3):

Labcorp Genetics (formerly Invitae), Labcorp
Classification: Uncertain significance. Last evaluated: 2023-01-19. Review status: criteria provided, single submitter. Criteria: Invitae Variant Classification Sherloc (09022015). Collection method: clinical testing. Allele origin: germline.
Comment: This sequence change replaces glutamic acid, which is acidic and polar, with lysine, which is basic and polar, at codon 1489 of the SPTBN2 protein (p.Glu1489Lys). In summary, the available evidence is currently insufficient to determine the role of this variant in disease. Therefore, it has been classified as a Variant of Uncertain Significance. Advanced modeling of protein sequence and biophysical properties (such as structural, functional, and spatial information, amino acid conservation, physicochemical variation, residue mobility, and thermodynamic stability) performed at Invitae indicates that this missense variant is not expected to disrupt SPTBN2 protein function. ClinVar contains an entry for this variant (Variation ID: 1256177). This variant has not been reported in the literature in individuals affected with SPTBN2-related conditions. This variant is present in population databases (rs377750743, gnomAD 0.01%).

Ambry Genetics
Classification: Uncertain significance for Inborn genetic diseases. Last evaluated: 2020-11-23. Review status: criteria provided, single submitter. Criteria: Ambry Variant Classification Scheme 2023. Collection method: clinical testing. Allele origin: germline.

Athena Diagnostics
Classification: Uncertain significance. Last evaluated: 2020-10-22. Review status: criteria provided, single submitter. Criteria: Athena Diagnostics criteria. Collection method: clinical testing. Allele origin: unknown.

NM_006946.4(SPTBN2):c.4465G>A (p.Glu1489Lys)

Gene: SPTBN2 (spectrin beta, non-erythrocytic 2; minus strand). Cytogenetic location: 11q13.2.
Variant type: single nucleotide variant.
Coding change: c.4465G>A on transcript NM_006946.4 (MANE Select); coding-DNA position 4465, G replaced by A.
Protein change: p.Glu1489Lys; replaces glutamic acid 1489 with lysine.
Molecular consequence: missense variant.
Genome position (GRCh38, 1-based): chr11:66,694,177, C>T on the plus strand (G>A on the coding strand, the complement: SPTBN2 is on the minus strand). VCF-style: chr11-66694177-C-T. GRCh37 (hg19) VCF-style: chr11-66461648-C-T.
Other names: short protein forms E1489K.
Identifiers: ClinVar variation 1256177 (VCV001256177.7), dbSNP rs377750743, ClinGen allele CA6128572.